The following is an entry in ClinVar:

NM_004369.4(COL6A3):c.5060C>A (p.Pro1687His)

Gene: COL6A3 (collagen type VI alpha 3 chain; minus strand). Cytogenetic location: 2q37.3.
Variant type: single nucleotide variant.
Coding change: c.5060C>A on transcript NM_004369.4 (MANE Select); coding-DNA position 5060, C replaced by A.
Protein change: p.Pro1687His; replaces proline 1687 with histidine.
Molecular consequence: missense variant.
Genome position (GRCh38, 1-based): chr2:237,367,127, G>T on the plus strand (C>A on the coding strand, the complement: COL6A3 is on the minus strand). VCF-style: chr2-237367127-G-T. GRCh37 (hg19) VCF-style: chr2-238275770-G-T.
Other names: c.3239C>A, p.Pro1080His (NM_057166.5); c.4442C>A, p.Pro1481His (NM_057167.4); short protein forms P1080H, P1481H, P1687H.
Identifiers: ClinVar variation 3629055 (VCV003629055.2).
Genomic context (GRCh38, chr2:237,367,127, plus strand): 5'-TTGATGGCGTCAATAATCTGCCTCTTGGTAGAGAAGTCCTTCAGGAAGAATTCGTCAGTG[G>T]GGTCAGAGTTGTACTGGACAAGCCCCACTTGGATGGAGTCGCCATCTTCATAAACTGTGT-3'
Protein context (NP_004360.2, residues 1677-1697): QVGLVQYNSD[Pro1687His]TDEFFLKDFS

ClinVar aggregate classification (germline): Uncertain significance (1 of 4 stars; one submission).

Conditions:
Bethlem myopathy 1A. Also called: Bethlem myopathy 1; MYOPATHY, BENIGN CONGENITAL, WITH CONTRACTURES; Bethlem Muscular Dystrophy. Identifiers: Orphanet 610, MedGen CN029274, MONDO:0024530, OMIM 158810.

gnomAD v4.1: 13 of 1,614,150 alleles (0.00081%); highest among the groups gnomAD compares: Non-Finnish European, 0.0011%; no homozygotes.

Submission:

Labcorp Genetics (formerly Invitae), Labcorp
Classification: Uncertain significance for Bethlem myopathy 1A. Last evaluated: 2024-06-23. Review status: criteria provided, single submitter. Criteria: Invitae Variant Classification Sherloc (09022015). Collection method: clinical testing. Allele origin: germline.
Comment: This sequence change replaces proline, which is neutral and non-polar, with histidine, which is basic and polar, at codon 1687 of the COL6A3 protein (p.Pro1687His). This variant is not present in population databases (gnomAD no frequency). This variant has not been reported in the literature in individuals affected with COL6A3-related conditions. Advanced modeling of protein sequence and biophysical properties (such as structural, functional, and spatial information, amino acid conservation, physicochemical variation, residue mobility, and thermodynamic stability) performed at Invitae indicates that this missense variant is not expected to disrupt COL6A3 protein function with a negative predictive value of 80%. In summary, the available evidence is currently insufficient to determine the role of this variant in disease. Therefore, it has been classified as a Variant of Uncertain Significance.